The following is an entry in ClinVar:

ClinVar aggregate classification (germline): Benign. Review status: criteria provided, multiple submitters, no conflicts (2 of 4 stars). 7 submissions from 6 submitters: Benign (5). 2 of the submissions do not count toward it. Last evaluated 2026-02-04.

Conditions:
Progressive myoclonic epilepsy type 3. Also called: KCTD7-Related Progressive Myoclonic Epilepsy; EPILEPSY, PROGRESSIVE MYOCLONIC, 3, WITH OR WITHOUT INTRACELLULAR INCLUSIONS; CEROID LIPOFUSCINOSIS, NEURONAL, 14; EPILEPSY, PROGRESSIVE MYOCLONIC, 3, WITHOUT INTRACELLULAR INCLUSIONS. Identifiers: Orphanet 263516, MedGen C2673257, MONDO:0012721, OMIM 611726.

Allele frequency attached by ClinVar (database versions not stated): ESP Exome Variant Server 0.10737; TOPMed 0.10812; gnomAD 0.11765 and 0.11919; 1000 Genomes Project 30x 0.12180; gnomAD exomes 0.12383 and 0.13156; 1000 Genomes Project 0.12540; ExAC 0.12880.

Submissions (7):

Labcorp Genetics (formerly Invitae), Labcorp
Classification: Benign for Progressive myoclonic epilepsy type 3. Last evaluated: 2026-02-04. Review status: criteria provided, single submitter. Criteria: Invitae Variant Classification Sherloc (09022015). Collection method: clinical testing. Allele origin: germline.

Blueprint Genetics
Classification: Benign. Last evaluated: 2024-11-27. Review status: criteria provided, single submitter. Criteria: ACMG Guidelines, 2015. Collection method: clinical testing. Allele origin: germline.

Genome-Nilou Lab
Classification: Benign for Progressive myoclonic epilepsy type 3. Last evaluated: 2021-08-19. Review status: criteria provided, single submitter. Criteria: ACMG Guidelines, 2015. Collection method: clinical testing. Allele origin: germline. Affected: no.

GeneDx
Classification: Benign. Last evaluated: 2016-01-29. Review status: criteria provided, single submitter. Criteria: GeneDx Variant Classification Process June 2021. Collection method: clinical testing. Allele origin: germline. Affected: yes.

PreventionGenetics, part of Exact Sciences
Classification: Benign. Review status: criteria provided, single submitter. Criteria: ACMG Guidelines, 2015. Collection method: clinical testing. Allele origin: germline.

Mayo Clinic Laboratories, Mayo Clinic
Classification: Benign. Last evaluated: 2017-05-16. Review status: no assertion criteria provided. Collection method: clinical testing. Allele origin: unknown. Not counted in ClinVar's aggregate classification.

GeneDx
Classification: Benign. Last evaluated: 2014-01-29. Review status: flagged submission. Criteria: GeneDx Variant Classification (06012015). Collection method: clinical testing. Allele origin: germline. Affected: yes. Not counted in ClinVar's aggregate classification.
Comment: The variant is found in EPILEPSY,INFANT-EPI panel(s).
ClinVar note: Reason: This record appears to be redundant with a more recent record from the same submitter.
ClinVar note: Notes: SCV000241615 appears to be redundant with SCV001848206.

NM_153033.5(KCTD7):c.493+18_493+21dup

Gene: KCTD7 (potassium channel tetramerization domain containing 7; plus strand). Cytogenetic location: 7q11.21.
Variant type: Duplication.
Coding change: c.493+18_493+21dup on transcript NM_153033.5 (MANE Select); bases 18 to 21 of the intron after coding-DNA position 493, 4 bases duplicated (AGGA; older notation c.493+18_493+21dupAGGA).
Molecular consequence: intron variant.
Genome position (GRCh38, 1-based): chr7:66,638,449-66,638,452, AGGA duplicated. VCF-style (leftmost placement, unchanged base first): chr7-66638448-C-CAGGA. GRCh37 (hg19) VCF-style: chr7-66103435-C-CAGGA.
Other names: c.493+18_493+21dup (NM_001167961.2); c.493+18_493+21dupAGGA (NM_153033.4).
Identifiers: ClinVar variation 262690 (VCV000262690.19), dbSNP rs57580125, ClinGen allele CA315674.